The following is an entry in ClinVar:

NM_001320.7(CSNK2B):c.62TCT[1] (p.Phe22del)

Gene: CSNK2B (casein kinase 2 beta; plus strand). Cytogenetic location: 6p21.33.
Variant type: Microsatellite.
Coding change: c.62TCT[1] on transcript NM_001320.7 (MANE Select); one copy of the 3-base unit TCT starting at c.62; the reference has two copies in a row; one copy, 3 bases deleted; also written c.65_67del.
Protein change: p.Phe22del; deletes phenylalanine 22.
Molecular consequence: inframe deletion.
Genome position (GRCh38, 1-based): chr6:31,666,896-31,666,898, TCT deleted; deleting any 3 consecutive bases within chr6:31,666,892-31,666,898 gives the same sequence; the position shown is the placement nearest the transcript's 3' end. VCF-style (leftmost placement, unchanged base first): chr6-31666891-ATTC-A. GRCh37 (hg19) VCF-style: chr6-31634668-ATTC-A.
Other names: c.62TCT[1], p.Phe22del (NM_001282385.2); c.65_67del (NM_001320.7); short protein forms F22del.
Identifiers: ClinVar variation 1307205 (VCV001307205.5), dbSNP rs2151182182, ClinGen allele CA2580614851.

ClinVar aggregate classification (germline): Uncertain significance. Review status: criteria provided, multiple submitters, no conflicts (2 of 4 stars). 3 submissions from 3 submitters: Uncertain significance (3). Last evaluated 2025-10-03.
ClinVar aggregate classification (somatic clinical impact): Tier I - Strong (1 of 4 stars; one submission).

Conditions:
Poirier-Bienvenu neurodevelopmental syndrome (POBINDS). Identifiers: Orphanet 689397, MedGen C5231482, MONDO:0032889, OMIM 618732.
Medulloblastoma WNT activated. Identifiers: MedGen C4331965, MONDO:0850196.

Submissions (4):

3billion
Classification: Uncertain significance for Poirier-Bienvenu neurodevelopmental syndrome. Last evaluated: 2025-10-03. Review status: criteria provided, single submitter. Criteria: ACMG Guidelines, 2015. Collection method: clinical testing. Allele origin: germline. Affected: yes.
Comment: The variant is not observed in the gnomAD v4.1.0 dataset. Predicted Consequence/Location: Inframe deletion located in a nonrepeat region: predicted to change the length of the protein and disrupt normal protein function. The variant has been reported as of uncertain significance (ClinVar ID: VCV001307205). Therefore, this variant is classified as VUS according to the recommendation of ACMG/AMP guideline.

Blueprint Genetics
Classification: Uncertain significance. Last evaluated: 2024-01-12. Review status: criteria provided, single submitter. Criteria: ACMG Guidelines, 2015. Collection method: clinical testing. Allele origin: germline.

Institute for Genomic Medicine (IGM) Clinical Laboratory, Nationwide Children's Hospital
Classification: Tier I - Strong for Medulloblastoma WNT activated. Assertion type: diagnostic. Clinical significance: supports diagnosis. Last evaluated: 2023-12-07. Review status: criteria provided, single submitter. Criteria: AMP/ASCO/CAP Guidelines, 2017. Collection method: clinical testing. Allele origin: somatic. Affected: yes.
Comment: Variant has Tier I (strong) clinical significance as a diagnostic inclusion criterion in medulloblastoma WNT activated, based on the following evidence: 1) Documented in one or more cancer databases (e.g., St. Jude Pecan, COSMIC, CIViC, OncoKB). 2) Appears in one or more well-established professional guidelines (e.g., World Health Organization [WHO]; National Comprehensive Cancer Network [NCCN]) as providing diagnostic, prognostic, or therapeutic information. 3) Diagnostic for a specific tumor type/classification based on well-powered studies with expert-level consensus (Evidence Level B; PMIDs: 22820256, 28726821, 31799776, 30588243).

GeneDx
Classification: Uncertain significance. Last evaluated: 2019-07-24. Review status: criteria provided, single submitter. Criteria: GeneDx Variant Classification Process June 2021. Collection method: clinical testing. Allele origin: germline. Affected: yes.
Comment: Not observed in large population cohorts (Lek et al., 2016); In-frame deletion of 1 amino acid in a non-repeat region; In silico analysis, which includes protein predictors and evolutionary conservation, supports a deleterious effect; Has not been previously published as pathogenic or benign to our knowledge

Literature cited by the submitters: PubMed 22820256 (cited by Institute for Genomic Medicine (IGM) Clinical Laboratory, Nationwide Children's Hospital); PubMed 28726821 (cited by Institute for Genomic Medicine (IGM) Clinical Laboratory, Nationwide Children's Hospital); PubMed 31799776 (cited by Institute for Genomic Medicine (IGM) Clinical Laboratory, Nationwide Children's Hospital); PubMed 30588243 (cited by Institute for Genomic Medicine (IGM) Clinical Laboratory, Nationwide Children's Hospital).